The following is an entry in ClinVar:

NM_147127.5(EVC2):c.3751G>T (p.Glu1251Ter)

Gene: EVC2 (EvC ciliary complex subunit 2; minus strand). Cytogenetic location: 4p16.2.
Variant type: single nucleotide variant.
Coding change: c.3751G>T on transcript NM_147127.5 (MANE Select); coding-DNA position 3751, G replaced by T.
Protein change: p.Glu1251Ter; replaces glutamic acid 1251 with a stop codon.
Molecular consequence: nonsense.
Genome position (GRCh38, 1-based): chr4:5,563,024, C>A on the plus strand (G>T on the coding strand, the complement: EVC2 is on the minus strand). VCF-style: chr4-5563024-C-A. GRCh37 (hg19) VCF-style: chr4-5564751-C-A.
Other names: c.3511G>T, p.Glu1171Ter (NM_001166136.2); short protein forms E1171*, E1251*.
Identifiers: ClinVar variation 1007423 (VCV001007423.9), dbSNP rs769520928, ClinGen allele CA356147040.

ClinVar aggregate classification (germline): Pathogenic (1 of 4 stars; one submission).

Conditions:
Ellis-van Creveld syndrome (EVC). Also called: Chondroectodermal dysplasia; EVC-Related Ellis-van Creveld Syndrome; EVC2-Related Ellis-van Creveld Syndrome; MESOECTODERMAL DYSPLASIA. Identifiers: Orphanet 289, MedGen C0013903, MONDO:0009162, OMIM 225500.
Curry-Hall syndrome (WAD). Also called: WEYERS ACRODENTAL DYSOSTOSIS. Identifiers: Orphanet 952, MedGen C0457013, MONDO:0008673, OMIM 193530.

Submission:

Labcorp Genetics (formerly Invitae), Labcorp
Classification: Pathogenic for Curry-Hall syndrome; Ellis-van Creveld syndrome. Last evaluated: 2020-11-16. Review status: criteria provided, single submitter. Criteria: Invitae Variant Classification Sherloc (09022015). Collection method: clinical testing. Allele origin: germline.
Comment: For these reasons, this variant has been classified as Pathogenic. This variant has been observed in individual(s) with clinical features of Weyers acrodental dysostosis (Invitae). In at least one individual the variant was observed to be de novo. This variant is not present in population databases (ExAC no frequency). This sequence change creates a premature translational stop signal (p.Glu1251*) in the EVC2 gene. While this is not anticipated to result in nonsense mediated decay, it is expected to disrupt the last 58 amino acid(s) of the EVC2 protein.